The following is an entry in ClinVar:

NM_002456.6(MUC1):c.203C>A (p.Ser68Ter)

Gene: MUC1 (mucin 1, cell surface associated; minus strand). Cytogenetic location: 1q22.
Variant type: single nucleotide variant.
Coding change: c.203C>A on transcript NM_002456.6; coding-DNA position 203, C replaced by A.
Protein change: p.Ser68Ter; replaces serine 68 with a stop codon.
Molecular consequence: nonsense. On other transcripts: intron variant (14).
Genome position (GRCh38, 1-based): chr1:155,188,242, G>T on the plus strand (C>A on the coding strand, the complement: MUC1 is on the minus strand). VCF-style: chr1-155188242-G-T. GRCh37 (hg19) VCF-style: chr1-155160718-G-T.
Other names: c.809C>A, p.Ser270Ter (NM_001204285.2); c.836C>A, p.Ser279Ter (NM_001204286.1); c.230C>A, p.Ser77Ter (NM_001204287.2, NM_001204297.2); c.203C>A, p.Ser68Ter (NM_001204293.2); c.3074C>A, p.Ser1025Ter (NM_001371720.2); c.187-179C>A (NM_001204291.1); c.187-30C>A (NM_001204292.1, NM_001204296.2); c.187-11C>A (NM_001204295.1, NM_001044392.3, NM_001204288.2 and 1 more transcripts); and 4 more; short protein forms S1025*, S270*, S279*, S68*, S77*.
Identifiers: ClinVar variation 1690490 (VCV001690490.2), dbSNP rs1667289787, ClinGen allele CA342736906.
Genomic context (GRCh38, chr1:155,188,242, plus strand): 5'-TGCAGCTCTTGGTAGTAGTCGGTGCTGGGATCTTCCAGAGAGGAATTAAACTGGAGGTTT[G>T]AAATGTGAAAAGACAGGAAAAAGAAAGAGACCCCAGTAGACAACTGGGGAGAAGTGCTGT-3'

ClinVar aggregate classification (germline): Uncertain significance (1 of 4 stars; one submission).

Submission:

Laboratorio de Genetica e Diagnostico Molecular, Hospital Israelita Albert Einstein
Classification: Uncertain significance. Last evaluated: 2021-02-19. Review status: criteria provided, single submitter. Criteria: ACMG Guidelines, 2015. Collection method: clinical testing. Allele origin: germline. Affected: yes.
Comment: ACMG classification criteria: PVS1, PM2